The following is an entry in ClinVar:

ClinVar aggregate classification (germline): Benign. Review status: criteria provided, single submitter (1 of 4 stars). 2 submissions from 2 submitters: Benign (1). 1 of the submissions does not count toward it. Last evaluated 2025-08-13.

Conditions:
KMT2C-related disorder. Also called: KMT2C-related disorders; KMT2C-related condition.

Submissions (2):

Labcorp Genetics (formerly Invitae), Labcorp
Classification: Benign. Last evaluated: 2025-08-13. Review status: criteria provided, single submitter. Criteria: Invitae Variant Classification Sherloc (09022015). Collection method: clinical testing. Allele origin: germline.

PreventionGenetics, part of Exact Sciences
Classification: Likely benign for KMT2C-related condition. Last evaluated: 2024-03-11. Review status: no assertion criteria provided. Collection method: clinical testing. Allele origin: germline. Not counted in ClinVar's aggregate classification.
Comment: This variant is classified as likely benign based on ACMG/AMP sequence variant interpretation guidelines (Richards et al. 2015 PMID: 25741868, with internal and published modifications).

NM_170606.3(KMT2C):c.591-18ATTTT[2]

Gene: KMT2C (lysine methyltransferase 2C; minus strand). Cytogenetic location: 7q36.1.
Variant type: Microsatellite.
Coding change: c.591-18ATTTT[2] on transcript NM_170606.3 (MANE Select); two copies in a row of the 5-base unit ATTTT starting at c.591-18; the reference has three copies in a row; one copy, 5 bases deleted.
Molecular consequence: intron variant.
Genome position (GRCh38, 1-based): chr7:152,311,950-152,311,954, AAAAT deleted on the plus strand (ATTTT on the coding strand, the reverse complement: KMT2C is on the minus strand); deleting any 5 consecutive bases within chr7:152,311,950-152,311,966 gives the same sequence; the position shown is the placement nearest the transcript's 3' end. VCF-style (leftmost placement, unchanged base first): chr7-152311949-GAAAAT-G. GRCh37 (hg19) VCF-style: chr7-152009034-GAAAAT-G.
Other names: c.591-8_591-4del5 (NM_170606.2).
Identifiers: ClinVar variation 1629488 (VCV001629488.10), dbSNP rs552048274, ClinGen allele CA4581676.